The following is an entry in ClinVar:

ClinVar aggregate classification (germline): Uncertain significance. Review status: criteria provided, multiple submitters, no conflicts (2 of 4 stars). 3 submissions from 3 submitters: Uncertain significance (3). Last evaluated 2026-03-06.

Conditions:
Dilated cardiomyopathy 1G (CMD1G). Identifiers: Orphanet 154, MedGen C1858763, MONDO:0011400, OMIM 604145.
Hypertrophic cardiomyopathy 9. Also called: Familial hypertrophic cardiomyopathy 9. Identifiers: MedGen C1861065, MONDO:0013412, OMIM 613765.
Early-onset myopathy with fatal cardiomyopathy (CMYO5). Also called: Salih Myopathy; CONGENITAL MYOPATHY 5 WITH CARDIOMYOPATHY. Identifiers: Orphanet 289377, MedGen C2673677, MONDO:0012714, OMIM 611705. Disease mechanism: loss of function.
Tibial muscular dystrophy (TMD). Also called: UDD MYOPATHY; Tibial muscular dystrophy, tardive; Udd Distal Myopathy – Tibial Muscular Dystrophy. Identifiers: Orphanet 609, MedGen C1838244, MONDO:0010870, OMIM 600334.
Autosomal recessive limb-girdle muscular dystrophy type 2J (LGMDR10). Also called: Limb-girdle muscular dystrophy, type 2J; MUSCULAR DYSTROPHY, LIMB-GIRDLE, AUTOSOMAL RECESSIVE 10. Identifiers: Orphanet 140922, MedGen C1837342, MONDO:0012127, OMIM 608807.
Myopathy, myofibrillar, 9, with early respiratory failure (MFM9). Also called: Hereditary myopathy with early respiratory failure; EDSTROM MYOPATHY; MYOPATHY, PROXIMAL, WITH EARLY RESPIRATORY MUSCLE INVOLVEMENT; Myopathy, distal, with early respiratory failure, autosomal dominant. Identifiers: Orphanet 178464, Orphanet 34521, MedGen C1863599, MONDO:0011362, OMIM 603689.
TTN-related disorder. Also called: TTN-related disorders; TTN-related condition; TTN-related disease.

Allele frequency attached by ClinVar (database versions not stated): gnomAD exomes below 0.00001.
gnomAD v4.1: 1 of 1,605,894 alleles (0.000062%); highest among the groups gnomAD compares: Non-Finnish European, 0.000085%; no homozygotes.

Submissions (3):

PreventionGenetics, part of Exact Sciences
Classification: Uncertain significance for TTN-related condition. Last evaluated: 2026-03-06. Review status: criteria provided, single submitter. Criteria: ACMG Guidelines, 2015. Collection method: clinical testing. Allele origin: germline.
Comment: The TTN c.34801C>T variant is predicted to result in the amino acid substitution p.Pro11601Ser. To our knowledge, this variant has not been reported in the literature or in a large population database (gnomAD), indicating this variant is rare. At this time, the clinical significance of this variant is uncertain due to the absence of conclusive functional and genetic evidence.

GeneDx
Classification: Uncertain significance. Last evaluated: 2022-07-28. Review status: criteria provided, single submitter. Criteria: GeneDx Variant Classification Process June 2021. Collection method: clinical testing. Allele origin: germline. Affected: yes.
Comment: Not observed at significant frequency in large population cohorts (gnomAD); Missense variant in a gene in which most reported pathogenic variants are truncating/loss of function; Has not been previously published as pathogenic or benign to our knowledge

Fulgent Genetics
Classification: Uncertain significance for Tibial muscular dystrophy; Myopathy, myofibrillar, 9, with early respiratory failure; Dilated cardiomyopathy 1G; Autosomal recessive limb-girdle muscular dystrophy type 2J; Early-onset myopathy with fatal cardiomyopathy; Hypertrophic cardiomyopathy 9. Last evaluated: 2021-11-14. Review status: criteria provided, single submitter. Criteria: ACMG Guidelines, 2015. Collection method: clinical testing. Allele origin: unknown.

NM_001267550.2(TTN):c.34801C>T (p.Pro11601Ser)

Gene: TTN (titin; minus strand). Cytogenetic location: 2q31.2.
Variant type: single nucleotide variant.
Coding change: c.34801C>T on transcript NM_001267550.2 (MANE Select); coding-DNA position 34801, C replaced by T.
Protein change: p.Pro11601Ser; replaces proline 11601 with serine.
Molecular consequence: missense variant. On other transcripts: intron variant (3).
Genome position (GRCh38, 1-based): chr2:178,672,689, G>A on the plus strand (C>T on the coding strand, the complement: TTN is on the minus strand). VCF-style: chr2-178672689-G-A. GRCh37 (hg19) VCF-style: chr2-179537416-G-A.
Other names: c.34801C>T (NM_001267550.1); c.33679C>T, p.Pro11227Ser (NM_001256850.1); c.30898C>T, p.Pro10300Ser (NM_133378.4); c.13283-30372C>T (NM_003319.4); c.13859-30372C>T (NM_133437.4); c.13658-30372C>T (NM_133432.3); short protein forms P10300S, P11227S, P11601S.
Identifiers: ClinVar variation 1302632 (VCV001302632.5), dbSNP rs1013759400, ClinGen allele CA60979133.